The following is an entry in ClinVar:

ClinVar aggregate classification (germline): Benign/Likely benign. Review status: criteria provided, multiple submitters, no conflicts (2 of 4 stars). 6 submissions from 6 submitters: Benign (1); Likely benign (2). 3 of the submissions do not count toward it. Last evaluated 2026-02-02.

Conditions:
COL11A1-related disorder. Also called: COL11A1-related disorders; COL11A1-related condition.

Submissions (6):

Labcorp Genetics (formerly Invitae), Labcorp
Classification: Benign. Last evaluated: 2026-02-02. Review status: criteria provided, single submitter. Criteria: Invitae Variant Classification Sherloc (09022015). Collection method: clinical testing. Allele origin: germline.

Blueprint Genetics
Classification: Likely benign. Last evaluated: 2024-11-04. Review status: criteria provided, single submitter. Criteria: ACMG Guidelines, 2015. Collection method: clinical testing. Allele origin: germline.

GeneDx
Classification: Likely benign. Last evaluated: 2018-12-01. Review status: criteria provided, single submitter. Criteria: GeneDx Variant Classification Process June 2021. Collection method: clinical testing. Allele origin: germline. Affected: yes.

PreventionGenetics, part of Exact Sciences
Classification: Benign for COL11A1-related condition. Last evaluated: 2019-06-20. Review status: no assertion criteria provided. Collection method: clinical testing. Allele origin: germline. Not counted in ClinVar's aggregate classification.
Comment: This variant is classified as benign based on ACMG/AMP sequence variant interpretation guidelines (Richards et al. 2015 PMID: 25741868, with internal and published modifications).

Clinical Genetics DNA and cytogenetics Diagnostics Lab, Erasmus MC, Erasmus Medical Center
Classification: Likely benign. Review status: no assertion criteria provided. Collection method: clinical testing. Allele origin: germline. Affected: yes. Study: VKGL Data-share Consensus. Not counted in ClinVar's aggregate classification.

Clinical Genetics, Academic Medical Center
Classification: Benign. Review status: no assertion criteria provided. Collection method: clinical testing. Allele origin: germline. Affected: yes. Study: VKGL Data-share Consensus. Not counted in ClinVar's aggregate classification.

NM_001854.4(COL11A1):c.2340+9_2340+13del

Gene: COL11A1 (collagen type XI alpha 1 chain; minus strand). Cytogenetic location: 1p21.1.
Variant type: Deletion.
Coding change: c.2340+9_2340+13del on transcript NM_001854.4 (MANE Select); bases 9 to 13 of the intron after coding-DNA position 2340, 5 bases deleted (TAATT; older notation c.2340+9_2340+13delTAATT).
Molecular consequence: intron variant.
Genome position (GRCh38, 1-based): chr1:102,995,851-102,995,855, AATTA deleted on the plus strand (TAATT on the coding strand, the reverse complement: COL11A1 is on the minus strand); deleting any 5 consecutive bases within chr1:102,995,851-102,995,859 gives the same sequence; the c. name uses the placement nearest the transcript's 3' end. VCF-style (leftmost placement, unchanged base first): chr1-102995850-CAATTA-C. GRCh37 (hg19) VCF-style: chr1-103461406-CAATTA-C.
Other names: c.2340+9_2340+13del (NM_001854.3); c.2223+9_2223+13del (NM_001190709.2); c.2376+9_2376+13del (NM_080629.3); c.1992+9_1992+13del (NM_080630.4); c.2340+9_2340+13del5 (NM_001854.3).
Identifiers: ClinVar variation 721212 (VCV000721212.17), dbSNP rs374301870, ClinGen allele CA974483.
Genomic context (GRCh38, chr1:102,995,850, plus strand): 5'-AAATGTCTGTTGAATAAATTTAAATGTTAACATAATACACAGAAATTAATACCATCTAAA[CAATTA>C]AATTTTACCTTTTCACCTTTAGATCCCTTGAGACCTCTGACACCATCTGCTCCCTGTGGA-3'